The following is an entry in ClinVar:

ClinVar aggregate classification (germline): Uncertain significance. Review status: criteria provided, multiple submitters, no conflicts (2 of 4 stars). 2 submissions from 2 submitters: Uncertain significance (2). Last evaluated 2025-06-22.

Conditions:
Frasier syndrome. Identifiers: Orphanet 347, MedGen C0950122, MeSH D052159, MONDO:0007635, OMIM 136680.
Drash syndrome (DDS). Also called: NEPHROPATHY, WILMS TUMOR, AND GENITAL ANOMALIES; WILMS TUMOR AND PSEUDO- OR TRUE HERMAPHRODITISM. Identifiers: Orphanet 220, MedGen C0950121, MONDO:0008682, OMIM 194080.
Wilms tumor 1 (WT1). Also called: Wilms tumor, somatic. Identifiers: Orphanet 654, MedGen CN033288, MONDO:0008679, OMIM 194070.
11p partial monosomy syndrome (WAGR). Also called: WAGR Spectrum Disorder; WAGR syndrome; CHROMOSOME 11p13 DELETION SYNDROME; WAGR Complex. Identifiers: Orphanet 893, MedGen C0206115, MONDO:0008681, OMIM 194072.
Inborn genetic diseases. Identifiers: MedGen C0950123, MeSH D030342.

Submissions (2):

Labcorp Genetics (formerly Invitae), Labcorp
Classification: Uncertain significance for Wilms tumor 1; Drash syndrome; 11p partial monosomy syndrome; Frasier syndrome. Last evaluated: 2025-06-22. Review status: criteria provided, single submitter. Criteria: Invitae Variant Classification Sherloc (09022015). Collection method: clinical testing. Allele origin: germline.
Comment: This sequence change replaces alanine, which is neutral and non-polar, with threonine, which is neutral and polar, at codon 100 of the WT1 protein (p.Ala100Thr). This variant is not present in population databases (gnomAD no frequency). This variant has not been reported in the literature in individuals affected with WT1-related conditions. ClinVar contains an entry for this variant (Variation ID: 2299470). Invitae Evidence Modeling of protein sequence and biophysical properties (such as structural, functional, and spatial information, amino acid conservation, physicochemical variation, residue mobility, and thermodynamic stability) indicates that this missense variant is not expected to disrupt WT1 protein function with a negative predictive value of 95%. In summary, the available evidence is currently insufficient to determine the role of this variant in disease. Therefore, it has been classified as a Variant of Uncertain Significance.

Ambry Genetics
Classification: Uncertain significance for Inborn genetic diseases. Last evaluated: 2024-12-08. Review status: criteria provided, single submitter. Criteria: Ambry Variant Classification Scheme 2023. Collection method: clinical testing. Allele origin: germline.
Comment: The p.A100T variant (also known as c.298G>A), located in coding exon 1 of the WT1 gene, results from a G to A substitution at nucleotide position 298. The alanine at codon 100 is replaced by threonine, an amino acid with similar properties. This amino acid position is conserved. In addition, this alteration is predicted to be tolerated by in silico analysis. Based on the available evidence, the clinical significance of this variant remains unclear.

NM_024426.6(WT1):c.313G>A (p.Ala105Thr)

Genes: WT1 (WT1 transcription factor; minus strand), LOC107982234 (WT1/WT1-AS bi-directional promoter region; plus strand). Cytogenetic location: 11p13.
Variant type: single nucleotide variant.
Coding change: c.313G>A on transcript NM_024426.6 (MANE Select); coding-DNA position 313, G replaced by A.
Protein change: p.Ala105Thr; replaces alanine 105 with threonine.
Molecular consequence: missense variant. On other transcripts: non-coding transcript variant (1).
Genome position (GRCh38, 1-based): chr11:32,435,048, C>T on the plus strand (G>A on the coding strand, the complement: WT1 is on the minus strand). VCF-style: chr11-32435048-C-T. GRCh37 (hg19) VCF-style: chr11-32456594-C-T.
Other names: c.313G>A, p.Ala105Thr (NM_000378.6, NM_001407044.1, NM_001407045.1 and 6 more transcripts); c.298G>A, p.Ala100Thr (NM_024425.2); short protein forms A105T, A100T.
Identifiers: ClinVar variation 2299470 (VCV002299470.3), dbSNP rs1236417259, ClinGen allele CA379965950.